The following is an entry in ClinVar:

ClinVar aggregate classification (germline): Uncertain significance (1 of 4 stars; one submission).

Conditions:
Propionic acidemia (PROP). Also called: GLYCINEMIA, KETOTIC; HYPERGLYCINEMIA WITH KETOACIDOSIS AND LEUKOPENIA; KETOTIC HYPERGLYCINEMIA. Identifiers: Orphanet 35, MedGen C0268579, MONDO:0011628, OMIM 606054, HP:0003571.

Submission:

Labcorp Genetics (formerly Invitae), Labcorp
Classification: Uncertain significance for Propionic acidemia. Last evaluated: 2022-08-04. Review status: criteria provided, single submitter. Criteria: Invitae Variant Classification Sherloc (09022015). Collection method: clinical testing. Allele origin: germline.
Comment: This variant results in a copy number gain of the genomic region encompassing exon(s) 5-6 of the PCCA gene. While the exact position of this variant cannot be determined from the data, sub-genic copy number gains are generally in tandem (PMID: 25640679). This variant is predicted to be in-frame, and likely preserves the integrity of the reading frame. This variant has not been reported in the literature in individuals affected with PCCA-related conditions. In summary, the available evidence is currently insufficient to determine the role of this variant in disease. Therefore, it has been classified as a Variant of Uncertain Significance. Experimental studies and prediction algorithms are not available or were not evaluated, and the functional significance of this variant is currently unknown.

Literature cited by the submitters: PubMed 25640679.

NC_000013.10:g.(?_100807213)_(100809614_?)dup

Gene: PCCA (propionyl-CoA carboxylase subunit alpha; plus strand). Cytogenetic location: 13q32.3.
Variant type: Duplication.
Identifiers: ClinVar variation 1480805 (VCV001480805.5).